The following is an entry in ClinVar:

ClinVar aggregate classification (germline): Uncertain significance. Review status: criteria provided, multiple submitters, no conflicts (2 of 4 stars). 2 submissions from 2 submitters: Uncertain significance (2). Last evaluated 2025-08-11.

Conditions:
Cardiovascular phenotype. Identifiers: MedGen CN230736.
Myofibrillar myopathy 4. Also called: Zaspopathy (type). Identifiers: Orphanet 98912, MedGen C4721886, MONDO:0012277, OMIM 609452.

Submissions (2):

Labcorp Genetics (formerly Invitae), Labcorp
Classification: Uncertain significance for Myofibrillar myopathy 4. Last evaluated: 2025-08-11. Review status: criteria provided, single submitter. Criteria: Invitae Variant Classification Sherloc (09022015). Collection method: clinical testing. Allele origin: germline.
Comment: The LDB3 gene has multiple clinically relevant transcripts. This variant occurs in alternate transcript NM_007078.3, and corresponds to NM_001080116.1:c.*18696_*18698del in the primary transcript. This variant, c.1783_1785del, is a complex sequence change that results in the deletion of 1 amino acid(s) in the LDB3 protein (p.Asn595del). This variant is not present in population databases (gnomAD no frequency). This variant has not been reported in the literature in individuals affected with LDB3-related conditions. Experimental studies and prediction algorithms are not available or were not evaluated, and the functional significance of this variant is currently unknown. In summary, the available evidence is currently insufficient to determine the role of this variant in disease. Therefore, it has been classified as a Variant of Uncertain Significance.

Ambry Genetics
Classification: Uncertain significance for Cardiovascular phenotype. Last evaluated: 2017-03-29. Review status: criteria provided, single submitter. Criteria: Ambry Variant Classification Scheme 2023. Collection method: clinical testing. Allele origin: germline.
Comment: The c.1783_1785delAAC variant (also known as p.N595del) is located in coding exon 10 of the LDB3 gene. This variant results from an in-frame deletion of 3 nucleotides at positions 1783 to 1785, causing the removal of an asparagine residue at codon 595. This amino acid position is not well conserved in available vertebrate species. Since supporting evidence is limited at this time, the clinical significance of this alteration remains unclear.

NM_007078.3(LDB3):c.1780AAC[1] (p.Asn595del)

Gene: LDB3 (LIM domain binding 3; plus strand). Cytogenetic location: 10q23.2.
Variant type: Microsatellite.
Coding change: c.1780AAC[1] on transcript NM_007078.3 (MANE Select); one copy of the 3-base unit AAC starting at c.1780; the reference has two copies in a row; one copy, 3 bases deleted.
Protein change: p.Asn595del; deletes asparagine 595.
Molecular consequence: inframe deletion.
Genome position (GRCh38, 1-based): chr10:86,718,070-86,718,072, AAC deleted; deleting any 3 consecutive bases within chr10:86,718,067-86,718,072 gives the same sequence; the position shown is the placement nearest the transcript's 3' end. VCF-style (leftmost placement, unchanged base first): chr10-86718066-GAAC-G. GRCh37 (hg19) VCF-style: chr10-88477823-GAAC-G.
Other names: c.1450AAC[1], p.Asn485del (NM_001080114.2); c.1795AAC[1], p.Asn600del (NM_001171610.2); c.1591AAC[1], p.Asn532del (NM_001368064.1, NM_001368065.1); c.1639AAC[1], p.Asn548del (NM_001368066.1); short protein forms N595del, N548del, N485del, N532del, N600del.
Identifiers: ClinVar variation 518645 (VCV000518645.6), dbSNP rs1554864337, ClinGen allele CA658797457.